The following is an entry in ClinVar:

ClinVar aggregate classification (germline): Uncertain significance (1 of 4 stars; one submission).

Conditions:
Neutral lipid storage myopathy (NLSDM). Also called: NEUTRAL LIPID STORAGE DISEASE WITHOUT ICHTHYOSIS. Identifiers: Orphanet 98908, MedGen C1853136, MONDO:0012545, OMIM 610717.

Allele frequency attached by ClinVar (database versions not stated): TOPMed 0.00001.
gnomAD v4.1: 2 of 1,551,520 alleles (0.00013%); highest among the groups gnomAD compares: Admixed American, 0.0039%; no homozygotes.

Submission:

Labcorp Genetics (formerly Invitae), Labcorp
Classification: Uncertain significance for Neutral lipid storage myopathy. Last evaluated: 2022-03-11. Review status: criteria provided, single submitter. Criteria: Invitae Variant Classification Sherloc (09022015). Collection method: clinical testing. Allele origin: germline.
Comment: This sequence change replaces glycine, which is neutral and non-polar, with alanine, which is neutral and non-polar, at codon 371 of the PNPLA2 protein (p.Gly371Ala). In summary, the available evidence is currently insufficient to determine the role of this variant in disease. Therefore, it has been classified as a Variant of Uncertain Significance. Algorithms developed to predict the effect of missense changes on protein structure and function (SIFT, PolyPhen-2, Align-GVGD) all suggest that this variant is likely to be tolerated. This variant has not been reported in the literature in individuals affected with PNPLA2-related conditions. The frequency data for this variant in the population databases is considered unreliable, as metrics indicate poor data quality at this position in the gnomAD database.

NM_020376.4(PNPLA2):c.1112G>C (p.Gly371Ala)

Gene: PNPLA2 (patatin like domain 2, triacylglycerol lipase; plus strand). Cytogenetic location: 11p15.5.
Variant type: single nucleotide variant.
Coding change: c.1112G>C on transcript NM_020376.4 (MANE Select); coding-DNA position 1112, G replaced by C.
Protein change: p.Gly371Ala; replaces glycine 371 with alanine.
Molecular consequence: missense variant.
Genome position (GRCh38, 1-based): chr11:824,373, G>C. VCF-style: chr11-824373-G-C. GRCh37 (hg19) VCF-style: chr11-824373-G-C.
Other names: short protein forms G371A.
Identifiers: ClinVar variation 2158913 (VCV002158913.4), dbSNP rs1253697310, ClinGen allele CA378983967.